The following is an entry in ClinVar:

ClinVar aggregate classification (germline): Pathogenic (1 of 4 stars; one submission).

Conditions:
Rhabdoid tumor predisposition syndrome 2 (RTPS2). Identifiers: Orphanet 231108, Orphanet 69077, MedGen C2750074, MONDO:0013224, OMIM 613325.

Submission:

Labcorp Genetics (formerly Invitae), Labcorp
Classification: Pathogenic for Rhabdoid tumor predisposition syndrome 2. Last evaluated: 2020-07-20. Review status: criteria provided, single submitter. Criteria: Invitae Variant Classification Sherloc (09022015). Collection method: clinical testing. Allele origin: germline.
Comment: For these reasons, this variant has been classified as Pathogenic. Loss-of-function variants in SMARCA4 are known to be pathogenic (PMID: 24658001, 24658002). This variant has not been reported in the literature in individuals with SMARCA4-related conditions. This variant is not present in population databases (ExAC no frequency). This sequence change creates a premature translational stop signal (p.Trp942*) in the SMARCA4 gene. It is expected to result in an absent or disrupted protein product.

Literature cited by the submitters: PubMed 24658001; PubMed 24658002.

NM_003072.5(SMARCA4):c.2826G>A (p.Trp942Ter)

Gene: SMARCA4 (SWI/SNF related BAF chromatin remodeling complex subunit ATPase 4; plus strand). Cytogenetic location: 19p13.2.
Variant type: single nucleotide variant.
Coding change: c.2826G>A on transcript NM_003072.5 (MANE Select); coding-DNA position 2826, G replaced by A.
Protein change: p.Trp942Ter; replaces tryptophan 942 with a stop codon.
Molecular consequence: nonsense. On other transcripts: non-coding transcript variant (1).
Genome position (GRCh38, 1-based): chr19:11,021,934, G>A. VCF-style: chr19-11021934-G-A. GRCh37 (hg19) VCF-style: chr19-11132610-G-A.
Other names: c.2826G>A, p.Trp942Ter (NM_001128844.3, NM_001128845.2, NM_001128846.2 and 5 more transcripts); short protein forms W942*.
Identifiers: ClinVar variation 1072182 (VCV001072182.7), dbSNP rs2146422656, ClinGen allele CA404056870.